The following is an entry in ClinVar:

ClinVar aggregate classification (germline): Pathogenic. Review status: criteria provided, multiple submitters, no conflicts (2 of 4 stars). 2 submissions from 2 submitters: Pathogenic (2). Last evaluated 2024-12-07.

Conditions:
Hyperekplexia 3 (HKPX3). Also called: HYPEREKPLEXIA 3, AUTOSOMAL RECESSIVE; HYPEREKPLEXIA 3, AUTOSOMAL DOMINANT. Identifiers: Orphanet 3197, MedGen C3553288, MONDO:0013827, OMIM 614618.

Allele frequency attached by ClinVar (database versions not stated): gnomAD exomes below 0.00001; TOPMed 0.00001; ExAC 0.00002.
gnomAD v4.1: 6 of 1,614,128 alleles (0.00037%); highest among the groups gnomAD compares: East Asian, 0.0022%; no homozygotes.

Submissions (2):

Labcorp Genetics (formerly Invitae), Labcorp
Classification: Pathogenic for Hyperekplexia 3. Last evaluated: 2024-12-07. Review status: criteria provided, single submitter. Criteria: Invitae Variant Classification Sherloc (09022015). Collection method: clinical testing. Allele origin: germline.
Comment: This sequence change replaces proline, which is neutral and non-polar, with leucine, which is neutral and non-polar, at codon 429 of the SLC6A5 protein (p.Pro429Leu). This variant is present in population databases (rs745539706, gnomAD 0.0009%). This missense change has been observed in individual(s) with hyperekplexia (PMID: 31370103; internal data). In at least one individual the data is consistent with being in trans (on the opposite chromosome) from a pathogenic variant. It has also been observed to segregate with disease in related individuals. ClinVar contains an entry for this variant (Variation ID: 2149851). Invitae Evidence Modeling of protein sequence and biophysical properties (such as structural, functional, and spatial information, amino acid conservation, physicochemical variation, residue mobility, and thermodynamic stability) has been performed for this missense variant. However, the output from this modeling did not meet the statistical confidence thresholds required to predict the impact of this variant on SLC6A5 protein function. Experimental studies have shown that this missense change affects SLC6A5 function (PMID: 31370103). For these reasons, this variant has been classified as Pathogenic.

Victorian Clinical Genetics Services, Murdoch Childrens Research Institute
Classification: Pathogenic for Hyperekplexia 3. Last evaluated: 2023-07-17. Review status: criteria provided, single submitter. Criteria: ACMG Guidelines, 2015. Collection method: clinical testing. Allele origin: germline. Inheritance: Autosomal recessive inheritance. Affected: yes.
Comment: Based on the classification scheme VCGS_Germline_v1.3.4, this variant is classified as a Pathogenic. Following criteria are met: 0102 - Loss of function is a known mechanism of disease in this gene and is associated with hyperekplexia 3 (MIM#614618). However, it should be noted that a dominant-negative mechanism has been demonstrated for a one missense variant (PMID: 16751771). (I) 0106 - This gene is associated with autosomal recessive disease. (I) 0200 - Variant is predicted to result in a missense amino acid change from proline to leucine. (I) 0251 - This variant is heterozygous. (I) 0304 - Variant is present in gnomAD (v2) <0.01 for a recessive condition (2 heterozygotes, 0 homozygotes). (SP) 0501 - Missense variant consistently predicted to be damaging by multiple in silico tools and highly conserved with a moderate amino acid change. (SP) 0600 - Variant is located in the annotated sodium:neurotransmitter symporter family domain (DECIPHER). (I) 0710 - Another missense variant comparable to the one identified in this case has inconclusive previous evidence for pathogenicity. The p.(Pro429Gln) variant has been classified once as a VUS (ClinVar). (I) 0803 - This variant has limited previous evidence of pathogenicity in one family. This variant has been reported as homozygous in two siblings with severe hyperekplexia. Their parents and siblings who are heterozygous for this variant are unaffected (PMID: 31370103). (SP) 0906 - Segregation evidence for this variant is inconclusive. There is insufficient genotype information to determine if this variant segregates with disease. (I) 1002 - This variant has moderate functional evidence supporting abnormal protein function. Mutant transcripts transfected into HEK293T cells demonstrated loss of protein expression from whole lysates and loss of glycine transport activity compared to wild type transcripts. Moreover, co-transfection of mutant and wild type transcripts at a 1:1 ratio was able to rescue the glycine transport activity to normal wild type levels (PMID: 31370103). (SP) 1101 - Very strong and specific phenotype match for this individual. (I) Legend: (SP) - Supporting pathogenic, (I) - Information, (SB) - Supporting benign

Literature cited by the submitters: PubMed 31370103 (cited by Labcorp Genetics (formerly Invitae), Labcorp and Victorian Clinical Genetics Services, Murdoch Childrens Research Institute); PubMed 16751771 (cited by Victorian Clinical Genetics Services, Murdoch Childrens Research Institute).

NM_004211.5(SLC6A5):c.1286C>T (p.Pro429Leu)

Gene: SLC6A5 (solute carrier family 6 member 5; plus strand). Cytogenetic location: 11p15.1.
Variant type: single nucleotide variant.
Coding change: c.1286C>T on transcript NM_004211.5 (MANE Select); coding-DNA position 1286, C replaced by T.
Protein change: p.Pro429Leu; replaces proline 429 with leucine.
Molecular consequence: missense variant.
Genome position (GRCh38, 1-based): chr11:20,626,733, C>T. VCF-style: chr11-20626733-C-T. GRCh37 (hg19) VCF-style: chr11-20648279-C-T.
Other names: c.1286C>T (NM_004211.4); c.584C>T, p.Pro195Leu (NM_001318369.2); short protein forms P429L, P195L.
Identifiers: ClinVar variation 2149851 (VCV002149851.5), dbSNP rs745539706, ClinGen allele CA5921398.
Genomic context (GRCh38, chr11:20,626,733, plus strand): 5'-GCTTCTTCCAGCCCCTCTGCCCATGGCTTTTCTAGGTGGTGTACTTCACGGCCACGTTCC[C>T]GTATGTCGTACTCGTGATCCTCCTCATCCGAGGAGTCACCCTGCCTGGAGCTGGAGCTGG-3'
Protein context (NP_004202.4, residues 419-439): GKVVYFTATF[Pro429Leu]YVVLVILLIR